The following is an entry in ClinVar:

ClinVar aggregate classification (germline): Pathogenic/Likely pathogenic. Review status: criteria provided, multiple submitters, no conflicts (2 of 4 stars). 2 submissions from 2 submitters: Pathogenic (1); Likely pathogenic (1). Last evaluated 2025-06-15.

Conditions:
Glucose-6-phosphate transport defect (GSD1B). Also called: Glycogen Storage Disease Type Ib; GSD Ib. Identifiers: Orphanet 364, Orphanet 79259, MedGen C0268146, MONDO:0009288, OMIM 232220.

Submissions (2):

Labcorp Genetics (formerly Invitae), Labcorp
Classification: Pathogenic for Glucose-6-phosphate transport defect. Last evaluated: 2025-06-15. Review status: criteria provided, single submitter. Criteria: Invitae Variant Classification Sherloc (09022015). Collection method: clinical testing. Allele origin: germline.
Comment: This sequence change creates a premature translational stop signal (p.Asn295Glnfs*31) in the SLC37A4 gene. It is expected to result in an absent or disrupted protein product. Loss-of-function variants in SLC37A4 are known to be pathogenic (PMID: 9758626, 10940311). This variant is not present in population databases (gnomAD no frequency). This variant has not been reported in the literature in individuals affected with SLC37A4-related conditions. ClinVar contains an entry for this variant (Variation ID: 2678962). For these reasons, this variant has been classified as Pathogenic.

Baylor Genetics
Classification: Likely pathogenic for Glucose-6-phosphate transport defect. Last evaluated: 2023-02-08. Review status: criteria provided, single submitter. Criteria: ACMG Guidelines, 2015. Collection method: clinical testing. Allele origin: unknown.

Literature cited by the submitters: PubMed 9758626 (cited by Labcorp Genetics (formerly Invitae), Labcorp); PubMed 10940311 (cited by Labcorp Genetics (formerly Invitae), Labcorp).

NM_001164277.2(SLC37A4):c.882dup (p.Asn295fs)

Gene: SLC37A4 (solute carrier family 37 member 4; minus strand). Cytogenetic location: 11q23.3.
Variant type: Duplication.
Coding change: c.882dup on transcript NM_001164277.2 (MANE Select); coding-DNA position 882, one base duplicated (C; older notation c.882dupC).
Protein change: p.Asn295fs; shifts the reading frame from asparagine 295.
Molecular consequence: frameshift variant.
Genome position (GRCh38, 1-based): chr11:119,026,069, G duplicated on the plus strand (C on the coding strand, the reverse complement: SLC37A4 is on the minus strand); the first of 2 consecutive G bases (chr11:119,026,069-119,026,070); duplicating either gives the same sequence. VCF-style (leftmost placement, unchanged base first): chr11-119026068-T-TG. GRCh37 (hg19) VCF-style: chr11-118896778-T-TG.
Other names: c.882dup, p.Asn295fs (NM_001164278.2, NM_001164280.2, NM_001467.6); c.663dup, p.Asn222fs (NM_001164279.2); short protein forms N222fs, N295fs.
Identifiers: ClinVar variation 2678962 (VCV002678962.2), dbSNP rs2497018036, ClinGen allele CA2616339987.